The following is an entry in ClinVar:

ClinVar aggregate classification (germline): Uncertain significance. Review status: criteria provided, multiple submitters, no conflicts (2 of 4 stars). 2 submissions from 2 submitters: Uncertain significance (2). Last evaluated 2025-06-03.

Conditions:
Fanconi anemia (FA). Also called: Fanconi's anemia. Identifiers: Orphanet 84, MedGen C0015625, MeSH D005199, MONDO:0019391.
Inborn genetic diseases. Identifiers: MedGen C0950123, MeSH D030342.

Allele frequency attached by ClinVar (database versions not stated): TOPMed below 0.00001.

Submissions (2):

Ambry Genetics
Classification: Uncertain significance for Inborn genetic diseases. Last evaluated: 2025-06-03. Review status: criteria provided, single submitter. Criteria: Ambry Variant Classification Scheme 2023. Collection method: clinical testing. Allele origin: germline.

Labcorp Genetics (formerly Invitae), Labcorp
Classification: Uncertain significance for Fanconi anemia. Last evaluated: 2022-09-13. Review status: criteria provided, single submitter. Criteria: Invitae Variant Classification Sherloc (09022015). Collection method: clinical testing. Allele origin: germline.
Comment: This sequence change replaces threonine, which is neutral and polar, with isoleucine, which is neutral and non-polar, at codon 1001 of the SLX4 protein (p.Thr1001Ile). This variant is not present in population databases (gnomAD no frequency). This variant has not been reported in the literature in individuals affected with SLX4-related conditions. Algorithms developed to predict the effect of missense changes on protein structure and function (SIFT, PolyPhen-2, Align-GVGD) all suggest that this variant is likely to be tolerated. In summary, the available evidence is currently insufficient to determine the role of this variant in disease. Therefore, it has been classified as a Variant of Uncertain Significance.

NM_032444.4(SLX4):c.3002C>T (p.Thr1001Ile)

Gene: SLX4 (SLX4 structure-specific endonuclease subunit; minus strand). Cytogenetic location: 16p13.3.
Variant type: single nucleotide variant.
Coding change: c.3002C>T on transcript NM_032444.4 (MANE Select); coding-DNA position 3002, C replaced by T.
Protein change: p.Thr1001Ile; replaces threonine 1001 with isoleucine.
Molecular consequence: missense variant.
Genome position (GRCh38, 1-based): chr16:3,590,636, G>A on the plus strand (C>T on the coding strand, the complement: SLX4 is on the minus strand). VCF-style: chr16-3590636-G-A. GRCh37 (hg19) VCF-style: chr16-3640637-G-A.
Other names: short protein forms T1001I.
Identifiers: ClinVar variation 2155843 (VCV002155843.2), dbSNP rs2040575845, ClinGen allele CA394522308.
Genomic context (GRCh38, chr16:3,590,636, plus strand): 5'-CGATGAGAAACCTCCAGCCCCCTTTCCCTGACAGCGCCACTTTGTTCCTCGGGCTCACTT[G>A]TTATTTGGGACGGCTCTGAGATCTCTCCCTGAGTTGATGAGAAGAGCTGTTCGTAATCCC-3'
Protein context (NP_115820.2, residues 991-1011): QGEISEPSQI[Thr1001Ile]SEPEEQSGAV